The following is an entry in ClinVar:

ClinVar aggregate classification (germline): Benign. Review status: criteria provided, multiple submitters, no conflicts (2 of 4 stars). 3 submissions from 2 submitters: Benign (3). Last evaluated 2023-04-01.

Conditions:
Branchiootic syndrome 1 (BOS1). Also called: BO SYNDROME 1; BRANCHIOOTIC DYSPLASIA. Identifiers: MedGen C1865143, MONDO:0011258, OMIM 602588.
Otofaciocervical syndrome 1 (OTFCS). Identifiers: MedGen C3714941, MONDO:0024532, OMIM 166780.

Allele frequency attached by ClinVar (database versions not stated): 1000 Genomes Project 30x 0.00625; 1000 Genomes Project 0.00639; TOPMed 0.00713.
gnomAD v4.1: 11,034 of 985,434 alleles (1.1%); highest among the groups gnomAD compares: Admixed American, 1.3%; 59 homozygotes.

Submissions (3):

CeGaT Center for Human Genetics Tuebingen
Classification: Benign. Last evaluated: 2023-04-01. Review status: criteria provided, single submitter. Criteria: CeGaT Center For Human Genetics Tuebingen Variant Classification Criteria Version 2. Collection method: clinical testing. Allele origin: germline. Affected: yes. Observed: 4 variant alleles.
Comment: EYA1: BS1, BS2

Illumina Laboratory Services, Illumina
Classification: Benign for Branchiootic syndrome. Last evaluated: 2018-01-13. Review status: criteria provided, single submitter. Criteria: ICSL Variant Classification Criteria 13 December 2019. Collection method: clinical testing. Allele origin: germline.
Comment: This variant was observed in the ICSL laboratory as part of a predisposition screen in an ostensibly healthy population. It had not been previously curated by ICSL or reported in the Human Gene Mutation Database (HGMD: prior to June 1st, 2018), and was therefore a candidate for classification through an automated scoring system. Utilizing variant allele frequency, disease prevalence and penetrance estimates, and inheritance mode, an automated score was calculated to assess if this variant is too frequent to cause the disease. Based on the score and internal cut-off values, a variant classified as benign is not then subjected to further curation. The score for this variant resulted in a classification of benign for this disease.

Illumina Laboratory Services, Illumina
Classification: Benign for Otofaciocervical syndrome 1. Last evaluated: 2018-01-13. Review status: criteria provided, single submitter. Criteria: ICSL Variant Classification Criteria 13 December 2019. Collection method: clinical testing. Allele origin: germline.
Comment: the same text as in the submission from Illumina Laboratory Services, Illumina above.

NM_000503.6(EYA1):c.-340G>T

Gene: EYA1 (EYA transcriptional coactivator and phosphatase 1; minus strand). Cytogenetic location: 8q13.3.
Variant type: single nucleotide variant.
Coding change: c.-340G>T on transcript NM_000503.6 (MANE Select); 340 bases upstream of the start codon, G replaced by T.
Molecular consequence: 5 prime UTR variant. On other transcripts: intron variant (5).
Genome position (GRCh38, 1-based): chr8:71,361,932, C>A on the plus strand (G>T on the coding strand, the complement: EYA1 is on the minus strand). VCF-style: chr8-71361932-C-A. GRCh37 (hg19) VCF-style: chr8-72274167-C-A.
Other names: c.-340G>T (NM_001288574.2); c.-624G>T (NM_001288575.2); c.34-5421G>T (NM_001370336.1, NM_001370333.1, NM_172059.5); c.-54-5421G>T (NM_001370335.1, NM_001370334.1).
Identifiers: ClinVar variation 363676 (VCV000363676.34), dbSNP rs55997623, ClinGen allele CA10631550.